The following is an entry in ClinVar:

NM_000064.4(C3):c.-5del

Gene: C3 (complement C3; minus strand). Cytogenetic location: 19p13.3.
Variant type: Deletion.
Coding change: c.-5del on transcript NM_000064.4 (MANE Select); 5 bases upstream of the start codon, one base deleted (G; older notation c.-5delG).
Molecular consequence: 5 prime UTR variant.
Genome position (GRCh38, 1-based): chr19:6,720,594, C deleted on the plus strand (G on the coding strand, the reverse complement: C3 is on the minus strand). VCF-style (leftmost placement, unchanged base first): chr19-6720593-GC-G. GRCh37 (hg19) VCF-style: chr19-6720604-GC-G.
Identifiers: ClinVar variation 4280219 (VCV004280219.1).

ClinVar aggregate classification (germline): Uncertain significance (1 of 4 stars; one submission).

Conditions:
Atypical hemolytic-uremic syndrome. Identifiers: Orphanet 2134, MedGen C2931788, MONDO:0016244.

Submission:

Genomenon, Inc
Classification: Uncertain significance for Atypical hemolytic-uremic syndrome. Last evaluated: 2025-09-30. Review status: criteria provided, single submitter. Criteria: Genomenon Sequence Variant Interpretation Standards. Collection method: curation. Allele origin: germline. Affected: yes.
Comment: C3 c.-5del is a variant located in the 5′ untranslated region (5′ UTR). This variant has been observed in at least one proband affected with atypical hemolytic-uremic syndrome (PMID:29610995). It is absent or not present at a significant frequency in gnomAD. In conclusion, we classify C3 c.-5del as a variant of unknown significance.

Literature cited by the submitters: PubMed 29610995.